The following is an entry in ClinVar:

NM_014413.4(EIF2AK1):c.715G>C (p.Val239Leu)

Gene: EIF2AK1 (eukaryotic translation initiation factor 2 alpha kinase 1; minus strand). Cytogenetic location: 7p22.1.
Variant type: single nucleotide variant.
Coding change: c.715G>C on transcript NM_014413.4 (MANE Select); coding-DNA position 715, G replaced by C.
Protein change: p.Val239Leu; replaces valine 239 with leucine.
Molecular consequence: missense variant.
Genome position (GRCh38, 1-based): chr7:6,044,577, C>G on the plus strand (G>C on the coding strand, the complement: EIF2AK1 is on the minus strand). VCF-style: chr7-6044577-C-G. GRCh37 (hg19) VCF-style: chr7-6084208-C-G.
Other names: c.715G>C, p.Val239Leu (NM_001134335.2); short protein forms V239L.
Identifiers: ClinVar variation 2718065 (VCV002718065.3), dbSNP rs150312555, ClinGen allele CA366755298.

ClinVar aggregate classification (germline): Uncertain significance (1 of 4 stars; one submission).

Submission:

Labcorp Genetics (formerly Invitae), Labcorp
Classification: Uncertain significance. Last evaluated: 2025-06-04. Review status: criteria provided, single submitter. Criteria: Invitae Variant Classification Sherloc (09022015). Collection method: clinical testing. Allele origin: germline.
Comment: This sequence change replaces valine, which is neutral and non-polar, with leucine, which is neutral and non-polar, at codon 239 of the EIF2AK1 protein (p.Val239Leu). This variant is not present in population databases (gnomAD no frequency). This variant has not been reported in the literature in individuals affected with EIF2AK1-related conditions. ClinVar contains an entry for this variant (Variation ID: 2718065). An algorithm developed to predict the effect of missense changes on protein structure and function (PolyPhen-2) suggests that this variant is likely to be tolerated. In summary, the available evidence is currently insufficient to determine the role of this variant in disease. Therefore, it has been classified as a Variant of Uncertain Significance.